The following is an entry in ClinVar:

ClinVar aggregate classification (germline): Uncertain significance. Review status: criteria provided, multiple submitters, no conflicts (2 of 4 stars). 2 submissions from 2 submitters: Uncertain significance (2). Last evaluated 2023-12-18.

Conditions:
Ehlers-Danlos syndrome, type 4 (EDSVASC). Also called: Ehlers-Danlos syndrome vascular type; Ehlers Danlos syndrome, ecchymotic type; Ehlers Danlos syndrome, arterial type; Ehlers Danlos syndrome, Sack-Barabas type; Ehlers-Danlos Syndrome Type IV. Identifiers: Orphanet 286, MedGen C0268338, MONDO:0017314, OMIM 130050.

Submissions (2):

All of Us Research Program, National Institutes of Health
Classification: Uncertain significance for Ehlers-Danlos syndrome, type 4. Last evaluated: 2023-12-18. Review status: criteria provided, single submitter. Criteria: ACMG Guidelines, 2015. Collection method: clinical testing. Allele origin: germline. Inheritance: Autosomal dominant inheritance. Observed: 1 variant allele, 1 heterozygote.
Comment: This missense variant replaces proline with alanine at codon 602 of the COL3A1 protein. Computational prediction indicates that this variant may have a neutral impact on protein structure and function. To our knowledge, functional studies have not been reported for this variant. This variant has not been reported in individuals affected with COL3A1-related disorders in the literature. This variant has not been identified in the general population by the Genome Aggregation Database (gnomAD). The available evidence is insufficient to determine the role of this variant in disease conclusively. Therefore, this variant is classified as a Variant of Uncertain Significance.

This study involves interpretation of variants in research participants for the purpose of population health screening. Participant phenotype was not available at the time of variant classification. Additional details can be found in publication PMID: 35346344, PMCID: PMC8962531

Labcorp Genetics (formerly Invitae), Labcorp
Classification: Uncertain significance for Ehlers-Danlos syndrome, type 4. Last evaluated: 2023-05-15. Review status: criteria provided, single submitter. Criteria: Invitae Variant Classification Sherloc (09022015). Collection method: clinical testing. Allele origin: germline.
Comment: In summary, the available evidence is currently insufficient to determine the role of this variant in disease. Therefore, it has been classified as a Variant of Uncertain Significance. This sequence change replaces proline, which is neutral and non-polar, with alanine, which is neutral and non-polar, at codon 602 of the COL3A1 protein (p.Pro602Ala). This variant is not present in population databases (gnomAD no frequency). This variant has not been reported in the literature in individuals affected with COL3A1-related conditions. ClinVar contains an entry for this variant (Variation ID: 568504). Advanced modeling of protein sequence and biophysical properties (such as structural, functional, and spatial information, amino acid conservation, physicochemical variation, residue mobility, and thermodynamic stability) performed at Invitae indicates that this missense variant is not expected to disrupt COL3A1 protein function.

NM_000090.4(COL3A1):c.1804C>G (p.Pro602Ala)

Gene: COL3A1 (collagen type III alpha 1 chain; plus strand). Cytogenetic location: 2q32.2.
Variant type: single nucleotide variant.
Coding change: c.1804C>G on transcript NM_000090.4 (MANE Select); coding-DNA position 1804, C replaced by G.
Protein change: p.Pro602Ala; replaces proline 602 with alanine.
Molecular consequence: missense variant.
Genome position (GRCh38, 1-based): chr2:188,997,207, C>G. VCF-style: chr2-188997207-C-G. GRCh37 (hg19) VCF-style: chr2-189861933-C-G.
Other names: short protein forms P602A.
Identifiers: ClinVar variation 568504 (VCV000568504.10), dbSNP rs35795890, ClinGen allele CA349853300.